The following is an entry in ClinVar:

NM_001375524.1(TRRAP):c.3811A>G (p.Thr1271Ala)

Gene: TRRAP (transformation/transcription domain associated protein; plus strand). Cytogenetic location: 7q22.1.
Variant type: single nucleotide variant.
Coding change: c.3811A>G on transcript NM_001375524.1 (MANE Select); coding-DNA position 3811, A replaced by G.
Protein change: p.Thr1271Ala; replaces threonine 1271 with alanine.
Molecular consequence: missense variant.
Genome position (GRCh38, 1-based): chr7:98,931,624, A>G. VCF-style: chr7-98931624-A-G. GRCh37 (hg19) VCF-style: chr7-98529247-A-G.
Other names: c.3811A>G, p.Thr1271Ala (NM_001244580.2, NM_003496.4); short protein forms T1271A.
Identifiers: ClinVar variation 3376327 (VCV003376327.1).

ClinVar aggregate classification (germline): Uncertain significance (1 of 4 stars; one submission).

Conditions:
Developmental delay with or without dysmorphic facies and autism. Identifiers: MedGen C5193106, MONDO:0032760, OMIM 618454.

gnomAD v4.1: 3 of 1,614,110 alleles (0.00019%); highest among the groups gnomAD compares: South Asian, 0.0011%; no homozygotes.

Submission:

Pittsburgh Clinical Genomics Laboratory, University of Pittsburgh Medical Center
Classification: Uncertain significance for Developmental delay with or without dysmorphic facies and autism. Last evaluated: 2024-02-29. Review status: criteria provided, single submitter. Criteria: ACMG Guidelines, 2015. Collection method: clinical testing. Allele origin: germline. Inheritance: Autosomal dominant inheritance. Affected: yes.
Comment: This sequence variant is a single nucleotide substitution (A>G) at position 3811 of the coding sequence of the TRRAP gene that results in a threonine to alanine amino acid change at residue 1271 of the transformation/transcription domain associated protein. This variant has not been reported in clinical genetics databases or observed in the medical literature in individuals with TRRAP-related disease, to our knowledge. This variant is present in 3 of 781000 alleles (0.0003841%) in the gnomAD v4.0.0 population dataset. Multiple bioinformatic tools predict that this variant is likely to be damaging, and threonine is conserved at this protein position in all vertebrates examined. Functiol studies assessing the effect of this variant on protein structure or activity have not been performed, to our knowledge. At this time, there is insufficient evidence to determine if this variant is pathogenic or benign. Therefore, we consider it to be a variant of uncertain significance. ACMG Criteria: PM2, PP3